The following is an entry in ClinVar:

ClinVar aggregate classification (germline): Uncertain significance. Review status: criteria provided, multiple submitters, no conflicts (2 of 4 stars). 2 submissions from 2 submitters: Uncertain significance (2). Last evaluated 2025-06-12.

Conditions:
Inborn genetic diseases. Identifiers: MedGen C0950123, MeSH D030342.

gnomAD v4.1: 60 of 1,614,046 alleles (0.0037%); highest among the groups gnomAD compares: African/African-American, 0.072%; no homozygotes.

Submissions (2):

Labcorp Genetics (formerly Invitae), Labcorp
Classification: Uncertain significance. Last evaluated: 2025-06-12. Review status: criteria provided, single submitter. Criteria: Invitae Variant Classification Sherloc (09022015). Collection method: clinical testing. Allele origin: germline.
Comment: This sequence change replaces methionine, which is neutral and non-polar, with isoleucine, which is neutral and non-polar, at codon 484 of the PODXL protein (p.Met484Ile). This variant is present in population databases (rs141737704, gnomAD 0.04%). This variant has not been reported in the literature in individuals affected with PODXL-related conditions. ClinVar contains an entry for this variant (Variation ID: 3705939). An algorithm developed to predict the effect of missense changes on protein structure and function (PolyPhen-2) suggests that this variant is likely to be disruptive. Experimental studies have shown that this missense change affects PODXL function (PMID: 24048372). In summary, the available evidence is currently insufficient to determine the role of this variant in disease. Therefore, it has been classified as a Variant of Uncertain Significance.

Ambry Genetics
Classification: Uncertain significance for Inborn genetic diseases. Last evaluated: 2025-06-10. Review status: criteria provided, single submitter. Criteria: Ambry Variant Classification Scheme 2023. Collection method: clinical testing. Allele origin: germline.

Literature cited by the submitters: PubMed 24048372 (cited by Labcorp Genetics (formerly Invitae), Labcorp).

NM_001018111.3(PODXL):c.1548G>A (p.Met516Ile)

Gene: PODXL (podocalyxin like; minus strand). Cytogenetic location: 7q32.3.
Variant type: single nucleotide variant.
Coding change: c.1548G>A on transcript NM_001018111.3 (MANE Select); coding-DNA position 1548, G replaced by A.
Protein change: p.Met516Ile; replaces methionine 516 with isoleucine.
Molecular consequence: missense variant.
Genome position (GRCh38, 1-based): chr7:131,504,440, C>T on the plus strand (G>A on the coding strand, the complement: PODXL is on the minus strand). VCF-style: chr7-131504440-C-T. GRCh37 (hg19) VCF-style: chr7-131189199-C-T.
Other names: c.1548G>A (NM_001018111.2); c.1452G>A, p.Met484Ile (NM_005397.4); short protein forms M484I, M516I.
Identifiers: ClinVar variation 3705939 (VCV003705939.3).